The following is an entry in ClinVar:

NM_000535.7(PMS2):c.109A>C (p.Thr37Pro)

Gene: PMS2 (PMS1 homolog 2, mismatch repair system component; minus strand). Cytogenetic location: 7p22.1.
Variant type: single nucleotide variant.
Coding change: c.109A>C on transcript NM_000535.7 (MANE Select); coding-DNA position 109, A replaced by C.
Protein change: p.Thr37Pro; replaces threonine 37 with proline.
Molecular consequence: missense variant. On other transcripts: 5 prime UTR variant (8), non-coding transcript variant (1), intron variant (3).
Genome position (GRCh38, 1-based): chr7:6,005,946, T>G on the plus strand (A>C on the coding strand, the complement: PMS2 is on the minus strand). VCF-style: chr7-6005946-T-G. GRCh37 (hg19) VCF-style: chr7-6045577-T-G.
Other names: c.-297A>C (NM_001018040.1, NM_001322003.2, NM_001322005.2 and 11 more transcripts); c.109A>C, p.Thr37Pro (NM_001322006.2, NM_001322014.2, NM_001406868.1 and 10 more transcripts); c.-107A>C (NM_001322007.2, NM_001406876.1, NM_001406883.1 and 4 more transcripts); c.-776A>C (NM_001322011.2, NM_001322012.2); c.-376A>C (NM_001322015.2, NM_001406875.1, NM_001406877.1 and 2 more transcripts); c.295A>C, p.Thr99Pro (NM_001406866.1); c.-323A>C (NM_001406880.1); c.-244A>C (NM_001406888.1, NM_001406889.1, NM_001406892.1 and 5 more transcripts); and 4 more; short protein forms T37P, T99P.
Identifiers: ClinVar variation 1791653 (VCV001791653.3), dbSNP rs876659883, ClinGen allele CA366745048.

ClinVar aggregate classification (germline): Uncertain significance (1 of 4 stars; one submission).

Conditions:
Hereditary cancer-predisposing syndrome. Also called: Hereditary Cancer Syndrome; Hereditary neoplastic syndrome; Tumor predisposition; Neoplastic Syndromes, Hereditary. Identifiers: Orphanet 140162, MedGen C0027672, MeSH D009386, MONDO:0015356.

Submission:

Ambry Genetics
Classification: Uncertain significance for Hereditary cancer-predisposing syndrome. Last evaluated: 2024-12-15. Review status: criteria provided, single submitter. Criteria: Ambry Variant Classification Scheme 2023. Collection method: clinical testing. Allele origin: germline.
Comment: The p.T37P variant (also known as c.109A>C), located in coding exon 2 of the PMS2 gene, results from an A to C substitution at nucleotide position 109. The threonine at codon 37 is replaced by proline, an amino acid with highly similar properties. This amino acid position is highly conserved in available vertebrate species. In addition, this alteration is predicted to be deleterious by in silico analysis. Since supporting evidence is limited at this time, the clinical significance of this alteration remains unclear.